The following is an entry in ClinVar:

NM_006208.3(ENPP1):c.939A>C (p.Gln313His)

Gene: ENPP1 (ectonucleotide pyrophosphatase/phosphodiesterase 1; plus strand). Cytogenetic location: 6q23.2.
Variant type: single nucleotide variant.
Coding change: c.939A>C on transcript NM_006208.3 (MANE Select); coding-DNA position 939, A replaced by C.
Protein change: p.Gln313His; replaces glutamine 313 with histidine.
Molecular consequence: missense variant.
Genome position (GRCh38, 1-based): chr6:131,861,618, A>C. VCF-style: chr6-131861618-A-C. GRCh37 (hg19) VCF-style: chr6-132182758-A-C.
Other names: short protein forms Q313H.
Identifiers: ClinVar variation 2446489 (VCV002446489.1), dbSNP rs373451568, ClinGen allele CA4002056.

ClinVar aggregate classification (germline): Uncertain significance (1 of 4 stars; one submission).

Allele frequency attached by ClinVar (database versions not stated): gnomAD exomes below 0.00001; ExAC 0.00001; TOPMed 0.00001; ESP Exome Variant Server 0.00008.
gnomAD v4.1: 2 of 1,612,972 alleles (0.00012%); highest among the groups gnomAD compares: Non-Finnish European, 0.00017%; no homozygotes.

Submission:

GeneDx
Classification: Uncertain significance. Last evaluated: 2022-09-28. Review status: criteria provided, single submitter. Criteria: GeneDx Variant Classification Process June 2021. Collection method: clinical testing. Allele origin: germline. Affected: yes.
Comment: Not observed at significant frequency in large population cohorts (gnomAD); In silico analysis supports that this missense variant has a deleterious effect on protein structure/function; Has not been previously published as pathogenic or benign to our knowledge